The following is an entry in ClinVar:

ClinVar aggregate classification (germline): Uncertain significance. Review status: criteria provided, multiple submitters, no conflicts (2 of 4 stars). 2 submissions from 2 submitters: Uncertain significance (2). Last evaluated 2025-10-03.

Conditions:
Tuberous sclerosis syndrome (TSC). Also called: Tuberous sclerosis; Tuberous Sclerosis Complex. Identifiers: Orphanet 805, MedGen C0041341, MONDO:0001734.
Hereditary cancer-predisposing syndrome. Also called: Neoplastic Syndromes, Hereditary; Tumor predisposition; Hereditary neoplastic syndrome; Hereditary Cancer Syndrome. Identifiers: Orphanet 140162, MedGen C0027672, MeSH D009386, MONDO:0015356.

Submissions (2):

Color Diagnostics, LLC DBA Color Health
Classification: Uncertain significance for Tuberous sclerosis syndrome. Last evaluated: 2025-10-03. Review status: criteria provided, single submitter. Criteria: ACMG Guidelines, 2015. Collection method: clinical testing. Allele origin: germline.
Comment: This missense variant replaces glutamic acid with lysine at codon 925 of the TSC1 protein. Computational prediction is inconclusive regarding the impact of this variant on protein structure and function. To our knowledge, functional studies have not been reported for this variant. This variant has not been reported in individuals affected with TSC1-related disorders in the literature. This variant has not been identified in the general population by the Genome Aggregation Database (gnomAD). The available evidence is insufficient to determine the role of this variant in disease conclusively. Therefore, this variant is classified as a Variant of Uncertain Significance.

Ambry Genetics
Classification: Uncertain significance for Hereditary cancer-predisposing syndrome. Last evaluated: 2022-05-16. Review status: criteria provided, single submitter. Criteria: Ambry Variant Classification Scheme 2023. Collection method: clinical testing. Allele origin: germline.
Comment: The p.E925K variant (also known as c.2773G>A), located in coding exon 19 of the TSC1 gene, results from a G to A substitution at nucleotide position 2773. The glutamic acid at codon 925 is replaced by lysine, an amino acid with similar properties. This amino acid position is conserved. In addition, this alteration is predicted to be deleterious by in silico analysis. Since supporting evidence is limited at this time, the clinical significance of this alteration remains unclear.

NM_000368.5(TSC1):c.2773G>A (p.Glu925Lys)

Gene: TSC1 (TSC complex subunit 1; minus strand). Cytogenetic location: 9q34.13.
Variant type: single nucleotide variant.
Coding change: c.2773G>A on transcript NM_000368.5 (MANE Select); coding-DNA position 2773, G replaced by A.
Protein change: p.Glu925Lys; replaces glutamic acid 925 with lysine.
Molecular consequence: missense variant.
Genome position (GRCh38, 1-based): chr9:132,897,463, C>T on the plus strand (G>A on the coding strand, the complement: TSC1 is on the minus strand). VCF-style: chr9-132897463-C-T. GRCh37 (hg19) VCF-style: chr9-135772850-C-T.
Other names: c.2770G>A, p.Glu924Lys (NM_001406597.1, NM_001406598.1, NM_001406599.1 and 2 more transcripts); c.2758G>A, p.Glu920Lys (NM_001406601.1, NM_001406602.1); c.2755G>A, p.Glu919Lys (NM_001406603.1, NM_001406604.1); c.2731G>A, p.Glu911Lys (NM_001406605.1, NM_001406606.1, NM_001406607.1); c.2410G>A, p.Glu804Lys (NM_001406616.1, NM_001406617.1, NM_001406618.1 and 4 more transcripts); c.2407G>A, p.Glu803Lys (NM_001406620.1, NM_001406621.1, NM_001406622.1 and 1 more transcripts); c.2368G>A, p.Glu790Lys (NM_001406624.1); c.2365G>A, p.Glu789Lys (NM_001406625.1); and 8 more; short protein forms E608K, E910K, E919K, E574K, E874K, E911K, E607K, E790K.
Identifiers: ClinVar variation 1795828 (VCV001795828.3), dbSNP rs2131631819, ClinGen allele CA375369152.